The following is an entry in ClinVar:

ClinVar aggregate classification (germline): Benign. Review status: criteria provided, single submitter (1 of 4 stars). 2 submissions from 2 submitters: Benign (1). 1 of the submissions does not count toward it. Last evaluated 2018-06-06.

Conditions:
RFX3-related disorder. Also called: RFX3-related condition.

Allele frequency attached by ClinVar (database versions not stated): 1000 Genomes Project 30x 0.00156; 1000 Genomes Project 0.00160; TOPMed 0.00516; ESP Exome Variant Server 0.00616; ExAC 0.00625; gnomAD 0.00627 and 0.00652.
gnomAD v4.1: 13,522 of 1,602,248 alleles (0.84%); highest among the groups gnomAD compares: Non-Finnish European, 1%; 72 homozygotes.

Submissions (2):

Labcorp Genetics (formerly Invitae), Labcorp
Classification: Benign. Last evaluated: 2018-06-06. Review status: criteria provided, single submitter. Criteria: Invitae Variant Classification Sherloc (09022015). Collection method: clinical testing. Allele origin: germline.

PreventionGenetics, part of Exact Sciences
Classification: Benign for RFX3-related condition. Last evaluated: 2019-06-07. Review status: no assertion criteria provided. Collection method: clinical testing. Allele origin: germline. Not counted in ClinVar's aggregate classification.
Comment: This variant is classified as benign based on ACMG/AMP sequence variant interpretation guidelines (Richards et al. 2015 PMID: 25741868, with internal and published modifications).

NM_001282116.2(RFX3):c.2011+9C>T

Gene: RFX3 (regulatory factor X3; minus strand). Cytogenetic location: 9p24.2.
Variant type: single nucleotide variant.
Coding change: c.2011+9C>T on transcript NM_001282116.2 (MANE Select); 9 bases into the intron after coding-DNA position 2011, C replaced by T.
Molecular consequence: intron variant.
Genome position (GRCh38, 1-based): chr9:3,228,838, G>A on the plus strand (C>T on the coding strand, the complement: RFX3 is on the minus strand). VCF-style: chr9-3228838-G-A. GRCh37 (hg19) VCF-style: chr9-3228838-G-A.
Other names: c.2074+9C>T (NM_001377999.1); c.2011+9C>T (NM_134428.3).
Identifiers: ClinVar variation 778032 (VCV000778032.5), dbSNP rs149980652, ClinGen allele CA4966944.